The following is an entry in ClinVar:

NM_000088.4(COL1A1):c.806G>A (p.Gly269Asp)

Genes: COL1A1 (collagen type I alpha 1 chain; minus strand), LOC126862586 (CDK7 strongly-dependent group 2 enhancer GRCh37_chr17:48273702-48274901; plus strand). Cytogenetic location: 17q21.33.
Variant type: single nucleotide variant.
Coding change: c.806G>A on transcript NM_000088.4 (MANE Select); coding-DNA position 806, G replaced by A.
Protein change: p.Gly269Asp; replaces glycine 269 with aspartic acid.
Molecular consequence: missense variant.
Genome position (GRCh38, 1-based): chr17:50,196,669, C>T on the plus strand (G>A on the coding strand, the complement: COL1A1 is on the minus strand). VCF-style: chr17-50196669-C-T. GRCh37 (hg19) VCF-style: chr17-48274030-C-T.
Other names: short protein forms G269D.
Identifiers: ClinVar variation 1996639 (VCV001996639.4), dbSNP rs72645329, ClinGen allele CA400222709.

ClinVar aggregate classification (germline): Pathogenic (1 of 4 stars; one submission).

Conditions:
Osteogenesis imperfecta type I (OI1). Also called: Lobstein disease; Lobstein's Disease; OI, TYPE I; OSTEOGENESIS IMPERFECTA TARDA; OSTEOGENESIS IMPERFECTA WITH BLUE SCLERAE; Osteogenesis imperfecta type 1. Identifiers: Orphanet 216796, Orphanet 666, MedGen C0023931, MONDO:0008146, OMIM 166200. Disease mechanism: loss of function.

Submission:

Labcorp Genetics (formerly Invitae), Labcorp
Classification: Pathogenic for Osteogenesis imperfecta type I. Last evaluated: 2022-05-19. Review status: criteria provided, single submitter. Criteria: Invitae Variant Classification Sherloc (09022015). Collection method: clinical testing. Allele origin: germline.
Comment: Algorithms developed to predict the effect of missense changes on protein structure and function are either unavailable or do not agree on the potential impact of this missense change (SIFT: "Deleterious"; PolyPhen-2: "Not Available"; Align-GVGD: "Class C65"). This variant disrupts the triple helix domain of COL1A1. Glycine residues within the Gly-Xaa-Yaa repeats of the triple helix domain are required for the structure and stability of fibrillar collagens (PMID: 7695699, 8218237, 19344236). In COL1A1, variants affecting these glycine residues are significantly enriched in individuals with disease (PMID: 9016532, 17078022) compared to the general population (ExAC). This variant disrupts the p.Gly269 amino acid residue in COL1A1. Other variant(s) that disrupt this residue have been observed in individuals with COL1A1-related conditions (PMID: 17078022; Invitae), which suggests that this may be a clinically significant amino acid residue. For these reasons, this variant has been classified as Pathogenic. This variant has not been reported in the literature in individuals affected with COL1A1-related conditions. This sequence change replaces glycine, which is neutral and non-polar, with aspartic acid, which is acidic and polar, at codon 269 of the COL1A1 protein (p.Gly269Asp). This variant is not present in population databases (gnomAD no frequency).

Literature cited by the submitters: PubMed 7695699; PubMed 8218237; PubMed 19344236; PubMed 9016532; PubMed 17078022.